The following is an entry in ClinVar:

ClinVar aggregate classification (germline): Pathogenic/Likely pathogenic. Review status: criteria provided, multiple submitters, no conflicts (2 of 4 stars). 4 submissions from 4 submitters: Pathogenic (2); Likely pathogenic (2). Last evaluated 2025-10-17.

Conditions:
Autosomal recessive polycystic kidney disease (ARPKD). Also called: AR polycystic kidney disease. Identifiers: Orphanet 731, Orphanet 8378, MedGen C0085548, MeSH D017044, MONDO:0009889.
Polycystic kidney disease 4 (PKD4). Also called: POLYCYSTIC KIDNEY DISEASE 4 WITH OR WITHOUT POLYCYSTIC LIVER DISEASE; PKD3; Autosomal Recessive Polycystic Kidney Disease – PKHD1; POLYCYSTIC KIDNEY AND HEPATIC DISEASE 1; POLYCYSTIC KIDNEY DISEASE, INFANTILE, TYPE I. Identifiers: MedGen C4540575, MONDO:0033004, OMIM 263200.

Submissions (4):

Natera, Inc.
Classification: Likely pathogenic for Autosomal recessive polycystic kidney disease. Last evaluated: 2025-10-17. Review status: criteria provided, single submitter. Criteria: Natera Variant Classification Schema (03/2026). Collection method: clinical testing. Allele origin: germline.
Comment: The c.4660dupT variant in PKHD1 is a frameshift variant predicted to shift the reading frame beginning at codon 1554 and leads to a stop codon 11 codons downstream. This variant is expected to result in nonsense mediated decay, truncation, or a dysfunctional protein product. This variant is rare in the general population with a frequency below the threshold expected for the associated phenotype(s). Given the available evidence, this variant is classified as Likely Pathogenic.

Baylor Genetics
Classification: Likely pathogenic for Polycystic kidney disease 4. Last evaluated: 2023-12-20. Review status: criteria provided, single submitter. Criteria: ACMG Guidelines, 2015. Collection method: clinical testing. Allele origin: unknown.

Labcorp Genetics (formerly Invitae), Labcorp
Classification: Pathogenic for Autosomal recessive polycystic kidney disease. Last evaluated: 2023-08-21. Review status: criteria provided, single submitter. Criteria: Invitae Variant Classification Sherloc (09022015). Collection method: clinical testing. Allele origin: germline.
Comment: For these reasons, this variant has been classified as Pathogenic. ClinVar contains an entry for this variant (Variation ID: 1451852). This variant has not been reported in the literature in individuals affected with PKHD1-related conditions. This variant is not present in population databases (gnomAD no frequency). This sequence change creates a premature translational stop signal (p.Tyr1554Leufs*11) in the PKHD1 gene. It is expected to result in an absent or disrupted protein product. Loss-of-function variants in PKHD1 are known to be pathogenic (PMID: 19940839).

Department of Pathology and Laboratory Medicine, Sinai Health System
Classification: Pathogenic for Polycystic kidney disease 4. Last evaluated: 2019-08-14. Review status: criteria provided, single submitter. Criteria: ACMG Guidelines, 2015. Collection method: clinical testing. Allele origin: germline. Affected: yes.

Literature cited by the submitters: PubMed 19940839 (cited by Labcorp Genetics (formerly Invitae), Labcorp).

NM_138694.4(PKHD1):c.4660dup (p.Tyr1554fs)

Genes: PKHD1 (PKHD1 ciliary IPT domain containing fibrocystin/polyductin; minus strand), LOC126859690 (MED14-independent group 3 enhancer GRCh37_chr6:51888848-51890047; plus strand). Cytogenetic location: 6p12.2.
Variant type: Duplication.
Coding change: c.4660dup on transcript NM_138694.4 (MANE Select); coding-DNA position 4660, one base duplicated (T; older notation c.4660dupT).
Protein change: p.Tyr1554fs; shifts the reading frame from tyrosine 1554.
Molecular consequence: frameshift variant.
Genome position (GRCh38, 1-based): chr6:52,025,150, A duplicated on the plus strand (T on the coding strand, the reverse complement: PKHD1 is on the minus strand); the first of 6 consecutive A bases (chr6:52,025,150-52,025,155); duplicating any one gives the same sequence. VCF-style (leftmost placement, unchanged base first): chr6-52025149-T-TA. GRCh37 (hg19) VCF-style: chr6-51889947-T-TA.
Other names: c.4660dup, p.Tyr1554fs (NM_170724.3); c.4660dup (NM_138694.3); c.4660dupT (NM_138694.3); short protein forms Y1554fs.
Identifiers: ClinVar variation 1451852 (VCV001451852.10), dbSNP rs1801949246, ClinGen allele CA1088986305.